The following is an entry in ClinVar:

NM_004006.3(DMD):c.330G>C (p.Leu110Phe)

Gene: DMD (dystrophin; minus strand). Cytogenetic location: Xp21.1.
Variant type: single nucleotide variant.
Coding change: c.330G>C on transcript NM_004006.3 (MANE Select); coding-DNA position 330, G replaced by C.
Protein change: p.Leu110Phe; replaces leucine 110 with phenylalanine.
Molecular consequence: missense variant. On other transcripts: 5 prime UTR variant (1).
Genome position (GRCh38, 1-based): chrX:32,823,322, C>G on the plus strand (G>C on the coding strand, the complement: DMD is on the minus strand). VCF-style: chrX-32823322-C-G. GRCh37 (hg19) VCF-style: chrX-32841439-C-G.
Other names: c.306G>C, p.Leu102Phe (NM_000109.4); c.318G>C, p.Leu106Phe (NM_004009.3); c.-40G>C (NM_004010.3); short protein forms L110F, L102F, L106F.
Identifiers: ClinVar variation 1417943 (VCV001417943.6), dbSNP rs2148850115, ClinGen allele CA412674473.
Genomic context (GRCh38, chrX:32,823,322, plus strand): 5'-ACCCAAAAGGAAACCATTCATCAGGATTCTTACCTGCCAGTGGAGGATTATATTCCAAAT[C>G]AAACCAAGAGTCAGTTTATGATTTCCATCTACGATGTCAGTACTTCCAATATTCACTAAA-3'
Protein context (NP_003997.2, residues 100-120): VDGNHKLTLG[Leu110Phe]IWNIILHWQV

ClinVar aggregate classification (germline): Uncertain significance (1 of 4 stars; one submission).

Conditions:
Duchenne muscular dystrophy (DMD). Also called: MUSCULAR DYSTROPHY, PSEUDOHYPERTROPHIC PROGRESSIVE, DUCHENNE TYPE; Duchenne Muscular Dystrophy (DMD). Identifiers: Orphanet 98896, MedGen C0013264, MONDO:0010679, OMIM 310200.

Submission:

Labcorp Genetics (formerly Invitae), Labcorp
Classification: Uncertain significance for Duchenne muscular dystrophy. Last evaluated: 2022-06-13. Review status: criteria provided, single submitter. Criteria: Invitae Variant Classification Sherloc (09022015). Collection method: clinical testing. Allele origin: germline.
Comment: In summary, the available evidence is currently insufficient to determine the role of this variant in disease. Therefore, it has been classified as a Variant of Uncertain Significance. Algorithms developed to predict the effect of missense changes on protein structure and function are either unavailable or do not agree on the potential impact of this missense change (SIFT: "Deleterious"; PolyPhen-2: "Probably Damaging"; Align-GVGD: "Class C15"). This variant has not been reported in the literature in individuals affected with DMD-related conditions. This variant is not present in population databases (gnomAD no frequency). This sequence change replaces leucine, which is neutral and non-polar, with phenylalanine, which is neutral and non-polar, at codon 110 of the DMD protein (p.Leu110Phe).